The following is an entry in ClinVar:

NM_002016.2(FLG):c.3892del (p.Ser1298fs)

Genes: CCDST (cervical cancer associated DHX9 suppressive transcript; plus strand), FLG (filaggrin; minus strand). Cytogenetic location: 1q21.3.
Variant type: Deletion.
Coding change: c.3892del on transcript NM_002016.2 (MANE Select); coding-DNA position 3892, one base deleted (T; older notation c.3892delT).
Protein change: p.Ser1298fs; shifts the reading frame from serine 1298.
Molecular consequence: frameshift variant.
Genome position (GRCh38, 1-based): chr1:152,310,994, A deleted on the plus strand (T on the coding strand, the reverse complement: FLG is on the minus strand); the first of 2 consecutive A bases (chr1:152,310,994-152,310,995); deleting either gives the same sequence. VCF-style (leftmost placement, unchanged base first): chr1-152310993-GA-G. GRCh37 (hg19) VCF-style: chr1-152283469-GA-G.
Other names: c.3892delT (NM_002016.1); short protein forms S1298fs.
Identifiers: ClinVar variation 432659 (VCV000432659.5), dbSNP rs1553213136, ClinGen allele CA645372444.

ClinVar aggregate classification (germline): Pathogenic (1 of 4 stars; one submission).

Submission:

GeneDx
Classification: Pathogenic. Last evaluated: 2026-09-21. Review status: criteria provided, single submitter. Criteria: GeneDx Variant Classification Process June 2021. Collection method: clinical testing. Allele origin: germline.
Comment: Frameshift variant in the C-terminus predicted to result in protein truncation, as the last 2764 amino acids are lost and replaced with 147 incorrect amino acids; Reported in a patient with congenital anomalies of the heart and urinary system in the published literature (PMID: 36999085); Not observed at significant frequency in large population cohorts (gnomAD); This variant is associated with the following publications: (PMID: 31589614, 16444271, 36999085)